The following is an entry in ClinVar:

NM_030665.4(RAI1):c.331C>T (p.Arg111Cys)

Gene: RAI1 (retinoic acid induced 1; plus strand). Cytogenetic location: 17p11.2.
Variant type: single nucleotide variant.
Coding change: c.331C>T on transcript NM_030665.4 (MANE Select); coding-DNA position 331, C replaced by T.
Protein change: p.Arg111Cys; replaces arginine 111 with cysteine.
Molecular consequence: missense variant.
Genome position (GRCh38, 1-based): chr17:17,793,279, C>T. VCF-style: chr17-17793279-C-T. GRCh37 (hg19) VCF-style: chr17-17696593-C-T.
Other names: short protein forms R111C.
Identifiers: ClinVar variation 3678699 (VCV003678699.3).

ClinVar aggregate classification (germline): Uncertain significance. Review status: criteria provided, multiple submitters, no conflicts (2 of 4 stars). 2 submissions from 2 submitters: Uncertain significance (2). Last evaluated 2024-11-08.

gnomAD v4.1: 5 of 1,612,340 alleles (0.00031%); highest among the groups gnomAD compares: African/African-American, 0.004%; no homozygotes.

Submissions (2):

Blueprint Genetics
Classification: Uncertain significance. Last evaluated: 2024-11-08. Review status: criteria provided, single submitter. Criteria: ACMG Guidelines, 2015. Collection method: clinical testing. Allele origin: germline.

Labcorp Genetics (formerly Invitae), Labcorp
Classification: Uncertain significance. Last evaluated: 2024-09-17. Review status: criteria provided, single submitter. Criteria: Invitae Variant Classification Sherloc (09022015). Collection method: clinical testing. Allele origin: germline.
Comment: This sequence change replaces arginine, which is basic and polar, with cysteine, which is neutral and slightly polar, at codon 111 of the RAI1 protein (p.Arg111Cys). This variant is present in population databases (no rsID available, gnomAD 0.003%). This variant has not been reported in the literature in individuals affected with RAI1-related conditions. Invitae Evidence Modeling of protein sequence and biophysical properties (such as structural, functional, and spatial information, amino acid conservation, physicochemical variation, residue mobility, and thermodynamic stability) has been performed for this missense variant. However, the output from this modeling did not meet the statistical confidence thresholds required to predict the impact of this variant on RAI1 protein function. In summary, the available evidence is currently insufficient to determine the role of this variant in disease. Therefore, it has been classified as a Variant of Uncertain Significance.